The following is an entry in ClinVar:

ClinVar aggregate classification (germline): Uncertain significance (1 of 4 stars; one submission).

Submission:

ISCA site 4
Classification: Uncertain significance. Last evaluated: 2011-08-12. Review status: criteria provided, single submitter. Criteria: Kaminsky et al. (Genet Med. 2011). Collection method: clinical testing. Allele origin: unknown. Affected: yes. Observed: 1 variant allele.
Comment: Copy number variation identified through the course of routine clinical cytogenomic testing in postnatal populations. Clinical assertions have been curated as described in Kaminsky et al. 2011.

GRCh38/hg38 5q21.2-21.3(chr5:104482674-105488260)x1

Genes: LOC105379109 (uncharacterized LOC105379109; minus strand), LOC129389334 (MPRA-validated peak5386 silencer; plus strand), LOC129389335 (MPRA-validated peak5387 silencer; plus strand), LOC132089159 (Neanderthal introgressed variant-containing enhancer experimental_80648; plus strand), LOC132089160 (Neanderthal introgressed variant-containing enhancer experimental_80715; plus strand). Cytogenetic location: 5q21.2-21.3.
Variant type: copy number loss.
Change: copy number 1 (one copy instead of two) of chr5:104,482,674-105,488,260 (1.01 Mb, GRCh38 coordinates, 1-based), cytogenetic band 5q21.2-21.3.
Identifiers: ClinVar variation 57073 (VCV000057073.1).